The following is an entry in ClinVar:

NM_006984.5(CLDN10):c.497G>A (p.Trp166Ter)

Gene: CLDN10 (claudin 10; plus strand). Cytogenetic location: 13q32.1.
Variant type: single nucleotide variant.
Coding change: c.497G>A on transcript NM_006984.5 (MANE Select); coding-DNA position 497, G replaced by A.
Protein change: p.Trp166Ter; replaces tryptophan 166 with a stop codon.
Molecular consequence: nonsense.
Genome position (GRCh38, 1-based): chr13:95,577,263, G>A. VCF-style: chr13-95577263-G-A. GRCh37 (hg19) VCF-style: chr13-96229517-G-A.
Other names: c.434G>A, p.Trp145Ter (NM_001160100.2); c.491G>A, p.Trp164Ter (NM_182848.4); short protein forms W145*, W164*, W166*.
Identifiers: ClinVar variation 3338383 (VCV003338383.1).

ClinVar aggregate classification (germline): Pathogenic (1 of 4 stars; one submission).

Conditions:
HELIX syndrome. Also called: Hypohidrosis-electrolyte imbalance-lacrimal gland dysfunction-ichthyosis-xerostomia syndrome; HYPOHIDROSIS, ELECTROLYTE IMBALANCE, LACRIMAL GLAND DYSFUNCTION, ICHTHYOSIS, AND XEROSTOMIA. Identifiers: Orphanet 528105, MedGen C4522164, MONDO:0060564, OMIM 617671.

gnomAD v4.1: 3 of 1,613,908 alleles (0.00019%); highest among the groups gnomAD compares: Non-Finnish European, 0.00025%; no homozygotes.

Submission:

MVZ Medizinische Genetik Mainz
Classification: Pathogenic for HELIX syndrome. Last evaluated: 2024-07-22. Review status: criteria provided, single submitter. Criteria: UK Practice Guidelines For Variant Classification V4 01 2020. Collection method: clinical testing. Allele origin: germline. Inheritance: Autosomal recessive inheritance. Affected: yes. Observed: 1 variant allele.
Comment: ACMG Criteria: PVS1,PM2_SUP,PM3_SUP